The following is an entry in ClinVar:

NM_001378454.1(ALMS1):c.9886A>G (p.Thr3296Ala)

Gene: ALMS1 (ALMS1 centrosome and basal body associated protein; plus strand). Cytogenetic location: 2p13.1.
Variant type: single nucleotide variant.
Coding change: c.9886A>G on transcript NM_001378454.1 (MANE Select); coding-DNA position 9886, A replaced by G.
Protein change: p.Thr3296Ala; replaces threonine 3296 with alanine.
Molecular consequence: missense variant.
Genome position (GRCh38, 1-based): chr2:73,534,928, A>G. VCF-style: chr2-73534928-A-G. GRCh37 (hg19) VCF-style: chr2-73762055-A-G.
Other names: c.9889A>G, p.Thr3297Ala (NM_015120.4); short protein forms T3297A, T3296A.
Identifiers: ClinVar variation 373258 (VCV000373258.31), dbSNP rs58806616, ClinGen allele CA1714800.

ClinVar aggregate classification (germline): Conflicting classifications of pathogenicity. Review status: criteria provided, conflicting classifications (1 of 4 stars). 12 submissions from 11 submitters: Uncertain risk allele (1); Benign (5); Likely benign (4). 2 of the submissions do not count toward it. Last evaluated 2026-02-03.

Conditions:
Alstrom syndrome (ALMS). Identifiers: Orphanet 64, MedGen C0268425, MONDO:0008763, OMIM 203800.
Monogenic diabetes. Identifiers: Orphanet 183625, MedGen C3888631, MONDO:0015967.
Cardiovascular phenotype. Identifiers: MedGen CN230736.

Allele frequency attached by ClinVar (database versions not stated): 1000 Genomes Project 30x 0.00328; gnomAD exomes 0.00025 and 0.00063; ExAC 0.00077; ESP Exome Variant Server 0.00254; gnomAD 0.00273 and 0.00296; TOPMed 0.00314; 1000 Genomes Project 0.00319.
gnomAD v4.1: 779 of 1,613,806 alleles (0.048%); highest among the groups gnomAD compares: African/African-American, 0.97%; 6 homozygotes.

Submissions (12):

Labcorp Genetics (formerly Invitae), Labcorp
Classification: Benign for Alstrom syndrome. Last evaluated: 2026-02-03. Review status: criteria provided, single submitter. Criteria: Invitae Variant Classification Sherloc (09022015). Collection method: clinical testing. Allele origin: germline.

ARUP Laboratories, Molecular Genetics and Genomics, ARUP Laboratories
Classification: Likely benign for Alstrom syndrome. Last evaluated: 2025-03-21. Review status: criteria provided, single submitter. Criteria: ARUP Molecular Germline Variant Investigation Process 2024. Collection method: clinical testing. Allele origin: germline.

Blueprint Genetics
Classification: Likely benign. Last evaluated: 2024-11-01. Review status: criteria provided, single submitter. Criteria: ACMG Guidelines, 2015. Collection method: clinical testing. Allele origin: germline.

Women's Health and Genetics/Laboratory Corporation of America, LabCorp
Classification: Benign. Last evaluated: 2019-07-15. Review status: criteria provided, single submitter. Criteria: LabCorp Variant Classification Summary - May 2015. Collection method: clinical testing. Allele origin: germline.
Comment: Variant summary: ALMS1 c.9883A>G (p.Thr3295Ala, also known as c.9889A>G) results in a non-conservative amino acid change in the encoded protein sequence. Three of five in-silico tools predict a damaging effect of the variant on protein function. The variant allele was found at a frequency of 0.00063 in 249334 control chromosomes, predominantly at a frequency of 0.0098 within the African or African-American subpopulation in the gnomAD database, including 2 homozygotes. The observed variant frequency within African or African-American control individuals in the gnomAD database is approximately 4.4 fold of the estimated maximal expected allele frequency for a pathogenic variant in ALMS1 causing Cardiomyopathy phenotype (0.0022), strongly suggesting that the variant is a benign polymorphism found primarily in populations of African or African-American origin. To our knowledge, no occurrence of c.9883A>G in individuals affected with Cardiomyopathy and no experimental evidence demonstrating its impact on protein function have been reported. Three clinical diagnostic laboratories have submitted clinical-significance assessments for this variant to ClinVar after 2014 without evidence for independent evaluation, two classified it as likely benign/benign while one classified as VUS. Based on the evidence outlined above, the variant was classified as benign.

Ambry Genetics
Classification: Likely benign for Cardiovascular phenotype. Last evaluated: 2019-06-06. Review status: criteria provided, single submitter. Criteria: Ambry Variant Classification Scheme 2023. Collection method: clinical testing. Allele origin: germline.

GeneDx
Classification: Benign. Last evaluated: 2019-05-20. Review status: criteria provided, single submitter. Criteria: GeneDx Variant Classification Process June 2021. Collection method: clinical testing. Allele origin: germline. Affected: yes.

Personalized Diabetes Medicine Program, University of Maryland School of Medicine
Classification: Benign for Monogenic diabetes. Last evaluated: 2018-03-16. Review status: criteria provided, single submitter. Criteria: ACMG Guidelines, 2015. Collection method: research. Allele origin: unknown. Observed: 4 variant alleles, 4 heterozygotes.
Comment: ACMG criteria: PP3 (6 predictors), BP4 (3 predictors), BS1 (1.13% in 1000G African population and disease frequency is 1 in 10,000), BS2 (4 homozygotes in gnomAD)=benign

Eurofins Ntd Llc (ga)
Classification: Benign. Last evaluated: 2017-05-15. Review status: criteria provided, single submitter. Criteria: EGL Classification Definitions 2015. Collection method: clinical testing. Allele origin: germline. Observed: 1 variant allele, 1 heterozygote.

Laboratory for Molecular Medicine, Mass General Brigham Personalized Medicine
Classification: Likely benign. Last evaluated: 2016-03-21. Review status: criteria provided, single submitter. Criteria: LMM Criteria. Collection method: clinical testing. Allele origin: germline. Observed: 1 variant allele.
Comment: p.Thr3295Ala in exon 12 of ALMS1: This variant is not expected to have clinical significance because it has been identified in 0.93% (91/9788) of African chromosomes by the Exome Aggregation Consortium (ExAC; dbSNP rs58806616).

Clinical Genomics, Uppaluri K&H Personalized Medicine Clinic
Classification: Uncertain risk allele for Alstrom syndrome. Review status: criteria provided, single submitter. Criteria: K & H Uppaluri Personalized Medicine Clinic Variant Classification & Assertion Criteria_Updated V.1. Collection method: research. Allele origin: unknown. Inheritance: Autosomal recessive inheritance.
Comment: Potent mutations in ALMS1 are associated with a rare condition called Alstrom syndrome. It can cause excessive eating, insulin resistance. However, no evidence is found to ascertain the role of rs58806616 in Alstrom syndrome yet.

Natera, Inc.
Classification: Benign for Alstrom syndrome. Last evaluated: 2020-01-01. Review status: no assertion criteria provided. Collection method: clinical testing. Allele origin: germline. Not counted in ClinVar's aggregate classification.

GeneDx
Classification: Uncertain significance. Last evaluated: 2016-11-21. Review status: flagged submission. Criteria: GeneDx Variant Classification (06012015). Collection method: clinical testing. Allele origin: germline. Affected: yes. Not counted in ClinVar's aggregate classification.
Comment: A variant of uncertain significance has been identified in the ALMS1 gene. The T3297A variant has not been published as a pathogenic variant, nor has it been reported as a benign variant to our knowledge. The T3297A variant is a non-conservative amino acid substitution, which is likely to impact secondary protein structure as these residues differ in polarity, charge, size and/or other properties. This substitution occurs at a position that is conserved in mammals. However, in silico analysis is inconsistent in its predictions as to whether or not the variant is damaging to the protein structure/function. In addition, the Exome Aggregation Consortium (ExAC) reports T3297A was observed in 91/9,788 (0.9%) alleles from individuals of African background, including one homozygous individual, indicating it may be a rare benign variant in this population. Lastly, while some missense variants have been reported in association with Alstrom syndrome, most pathogenic variants in ALMS1 reported to date are predicted to cause premature protein truncation (Marshall et al., 2012; Stenson et al., 2014).Therefore, based on the currently available information, it is unclear whether this variant is pathogenic or benign.
ClinVar note: Reason: This record appears to be redundant with a more recent record from the same submitter.
ClinVar note: Notes: SCV000491838 appears to be redundant with SCV001912356.

Literature cited by the submitters: PubMed 34148947 (cited by Clinical Genomics, Uppaluri K&H Personalized Medicine Clinic); PubMed 25846608 (cited by Clinical Genomics, Uppaluri K&H Personalized Medicine Clinic); PubMed 30421101 (cited by Clinical Genomics, Uppaluri K&H Personalized Medicine Clinic); PubMed 33669459 (cited by Clinical Genomics, Uppaluri K&H Personalized Medicine Clinic).